The following is an entry in ClinVar:

ClinVar aggregate classification (germline): Likely benign (0 of 4 stars; one submission).

Conditions:
RNF213-related disorder. Also called: RNF213-related condition.

Allele frequency attached by ClinVar (database versions not stated): gnomAD exomes 0.00004; TOPMed 0.00005; gnomAD 0.00007; ExAC 0.00009; ESP Exome Variant Server 0.00015; 1000 Genomes Project 30x 0.00016; 1000 Genomes Project 0.00020.
gnomAD v4.1: 69 of 1,614,046 alleles (0.0043%); highest among the groups gnomAD compares: South Asian, 0.034%; 1 homozygote.

Submission:

PreventionGenetics, part of Exact Sciences
Classification: Likely benign for RNF213-related condition. Last evaluated: 2019-07-03. Review status: no assertion criteria provided. Collection method: clinical testing. Allele origin: germline.
Comment: This variant is classified as likely benign based on ACMG/AMP sequence variant interpretation guidelines (Richards et al. 2015 PMID: 25741868, with internal and published modifications).

NM_001256071.3(RNF213):c.9834C>T (p.Phe3278=)

Gene: RNF213 (ring finger protein 213; plus strand). Cytogenetic location: 17q25.3.
Variant type: single nucleotide variant.
Coding change: c.9834C>T on transcript NM_001256071.3 (MANE Select); coding-DNA position 9834, C replaced by T.
Protein change: p.Phe3278=; no amino-acid change (phenylalanine 3278 retained).
Molecular consequence: synonymous variant.
Genome position (GRCh38, 1-based): chr17:80,348,169, C>T. VCF-style: chr17-80348169-C-T. GRCh37 (hg19) VCF-style: chr17-78321969-C-T.
Other names: c.9981C>T, p.Phe3327= (NM_001410195.1, NM_020914.5).
Identifiers: ClinVar variation 3043038 (VCV003043038.2), dbSNP rs376874221, ClinGen allele CA8821211.
Genomic context (GRCh38, chr17:80,348,169, plus strand): 5'-GCTGAACTGCGCTACGCCCGATGCCGTGGTCCGGCTGAGCGCCTACTCGCTGGGCGGGTT[C>T]GCAGCGGAGTGGCTGTCGCAGGAGTACTTTCACAGACAGAGGCACAACTCCTTTGCAGAT-3'
Protein context (NP_001243000.2, residues 3268-3288): VRLSAYSLGG[Phe3278=]AAEWLSQEYF